The following is an entry in ClinVar:

ClinVar aggregate classification (germline): Uncertain significance (1 of 4 stars; one submission).

Conditions:
Evans syndrome, immunodeficiency, and premature immunosenescence associated with tripeptidyl-peptidase II deficiency. Identifiers: MedGen CN231723. Disease mechanism: loss of function.

Submission:

Labcorp Genetics (formerly Invitae), Labcorp
Classification: Uncertain significance for Evans syndrome, immunodeficiency, and premature immunosenescence associated with tripeptidyl-peptidase II deficiency. Last evaluated: 2021-09-02. Review status: criteria provided, single submitter. Criteria: Invitae Variant Classification Sherloc (09022015). Collection method: clinical testing. Allele origin: germline.
Comment: This sequence change replaces aspartic acid with glutamic acid at codon 509 of the TPP2 protein (p.Asp509Glu). The aspartic acid residue is highly conserved and there is a small physicochemical difference between aspartic acid and glutamic acid. This variant is not present in population databases (ExAC no frequency). This variant has not been reported in the literature in individuals affected with TPP2-related conditions. Algorithms developed to predict the effect of missense changes on protein structure and function are either unavailable or do not agree on the potential impact of this missense change (SIFT: "Tolerated"; PolyPhen-2: "Possibly Damaging"; Align-GVGD: "Class C0"). In summary, the available evidence is currently insufficient to determine the role of this variant in disease. Therefore, it has been classified as a Variant of Uncertain Significance.

NM_001330588.2(TPP2):c.1527C>G (p.Asp509Glu)

Gene: TPP2 (tripeptidyl peptidase 2; plus strand). Cytogenetic location: 13q33.1.
Variant type: single nucleotide variant.
Coding change: c.1527C>G on transcript NM_001330588.2 (MANE Select); coding-DNA position 1527, C replaced by G.
Protein change: p.Asp509Glu; replaces aspartic acid 509 with glutamic acid.
Molecular consequence: missense variant. On other transcripts: non-coding transcript variant (1).
Genome position (GRCh38, 1-based): chr13:102,636,241, C>G. VCF-style: chr13-102636241-C-G. GRCh37 (hg19) VCF-style: chr13-103288591-C-G.
Other names: c.1527C>G, p.Asp509Glu (LRG_1341t1, NM_001367947.1, NM_003291.4); short protein forms D509E.
Identifiers: ClinVar variation 568374 (VCV000568374.8), dbSNP rs1566344477, ClinGen allele CA388487296.
Genomic context (GRCh38, chr13:102,636,241, plus strand): 5'-GACCCAACCATTTATATCTTACCATGTATATTATTTTCACTAGGTTGATAAAGCCTATGA[C>G]TACCTCGTTCAGAATACATCATTTGCTAATAAATTAGGTTTTACTGTTACTGTTGGAAAT-3'
Protein context (NP_001317517.1, residues 499-519): HGIIQVDKAY[Asp509Glu]YLVQNTSFAN